The following is an entry in ClinVar:

NM_001750.7(CAST):c.1183A>G (p.Ile395Val)

Gene: CAST (calpastatin; plus strand). Cytogenetic location: 5q15.
Variant type: single nucleotide variant.
Coding change: c.1183A>G on transcript NM_001750.7 (MANE Select); coding-DNA position 1183, A replaced by G.
Protein change: p.Ile395Val; replaces isoleucine 395 with valine.
Molecular consequence: missense variant.
Genome position (GRCh38, 1-based): chr5:96,742,739, A>G. VCF-style: chr5-96742739-A-G. GRCh37 (hg19) VCF-style: chr5-96078443-A-G.
Other names: c.772A>G, p.Ile258Val (NM_001042446.3, NM_001330630.2); c.895A>G, p.Ile299Val (NM_001190442.2, NM_001330631.2); c.811A>G, p.Ile271Val (NM_001284212.4, NM_001042444.3); c.838A>G, p.Ile280Val (NM_001330634.2); c.1072A>G, p.Ile358Val (NM_001375317.1); c.868A>G, p.Ile290Val (NM_173060.5, NM_001330632.2); c.718A>G, p.Ile240Val (NM_001284213.4); c.1117A>G, p.Ile373Val (NM_001329966.1, NM_001042442.3); and 8 more; short protein forms I240V, I277V, I293V, I312V, I395V, I358V, I271V, I280V.
Identifiers: ClinVar variation 1964007 (VCV001964007.5), dbSNP rs759499341, ClinGen allele CA3351149.

ClinVar aggregate classification (germline): Uncertain significance (1 of 4 stars; one submission).

Allele frequency attached by ClinVar (database versions not stated): TOPMed 0.00001; ExAC 0.00002; gnomAD 0.00002.
gnomAD v4.1: 24 of 1,613,336 alleles (0.0015%); highest among the groups gnomAD compares: South Asian, 0.011%; no homozygotes.

Submission:

Labcorp Genetics (formerly Invitae), Labcorp
Classification: Uncertain significance. Last evaluated: 2022-08-22. Review status: criteria provided, single submitter. Criteria: Invitae Variant Classification Sherloc (09022015). Collection method: clinical testing. Allele origin: germline.
Comment: In summary, the available evidence is currently insufficient to determine the role of this variant in disease. Therefore, it has been classified as a Variant of Uncertain Significance. Algorithms developed to predict the effect of missense changes on protein structure and function output the following: SIFT: "Not Available"; PolyPhen-2: "Benign"; Align-GVGD: "Not Available". The valine amino acid residue is found in multiple mammalian species, which suggests that this missense change does not adversely affect protein function. This variant has not been reported in the literature in individuals affected with CAST-related conditions. This variant is present in population databases (rs759499341, gnomAD 0.01%). This sequence change replaces isoleucine, which is neutral and non-polar, with valine, which is neutral and non-polar, at codon 354 of the CAST protein (p.Ile354Val).